The following is an entry in ClinVar:

NM_000038.6(APC):c.847C>G (p.Arg283Gly)

Gene: APC (APC regulator of Wnt signaling pathway; plus strand). Cytogenetic location: 5q22.2.
Variant type: single nucleotide variant.
Coding change: c.847C>G on transcript NM_000038.6 (MANE Select); coding-DNA position 847, C replaced by G.
Protein change: p.Arg283Gly; replaces arginine 283 with glycine.
Molecular consequence: missense variant. On other transcripts: 5 prime UTR variant (1).
Genome position (GRCh38, 1-based): chr5:112,815,507, C>G. VCF-style: chr5-112815507-C-G. GRCh37 (hg19) VCF-style: chr5-112151204-C-G.
Other names: c.847C>G, p.Arg283Gly (NM_001127510.3, NM_001354895.2, NM_001354896.2 and 1 more transcripts); c.793C>G, p.Arg265Gly (NM_001127511.3); c.877C>G, p.Arg293Gly (NM_001354897.2, NM_001354902.2); c.772C>G, p.Arg258Gly (NM_001354898.2, NM_001354904.2); c.763C>G, p.Arg255Gly (NM_001354899.2); c.670C>G, p.Arg224Gly (NM_001354900.2, NM_001354901.2, NM_001354905.2); c.-3C>G (NM_001354906.2); short protein forms R255G, R283G, R293G, R224G, R258G, R265G.
Identifiers: ClinVar variation 836957 (VCV000836957.11), dbSNP rs786201856, ClinGen allele CA16023172.

ClinVar aggregate classification (germline): Uncertain significance (1 of 4 stars; one submission).

Conditions:
Familial adenomatous polyposis 1 (FAP1). Also called: POLYPOSIS, ADENOMATOUS INTESTINAL; FAMILIAL ADENOMATOUS POLYPOSIS 1, ATTENUATED. Identifiers: MedGen C2713442, MONDO:0021056, OMIM 175100. Disease mechanism: loss of function.

gnomAD v4.1: 1 of 1,610,914 alleles (0.000062%); highest among the groups gnomAD compares: Non-Finnish European, 0.000085%; no homozygotes.

Submission:

Labcorp Genetics (formerly Invitae), Labcorp
Classification: Uncertain significance for Familial adenomatous polyposis 1. Last evaluated: 2022-06-03. Review status: criteria provided, single submitter. Criteria: Invitae Variant Classification Sherloc (09022015). Collection method: clinical testing. Allele origin: germline.
Comment: In summary, the available evidence is currently insufficient to determine the role of this variant in disease. Therefore, it has been classified as a Variant of Uncertain Significance. Algorithms developed to predict the effect of sequence changes on RNA splicing suggest that this variant may create or strengthen a splice site. Algorithms developed to predict the effect of missense changes on protein structure and function (SIFT, PolyPhen-2, Align-GVGD) all suggest that this variant is likely to be tolerated. ClinVar contains an entry for this variant (Variation ID: 836957). This variant has not been reported in the literature in individuals affected with APC-related conditions. This sequence change replaces arginine, which is basic and polar, with glycine, which is neutral and non-polar, at codon 283 of the APC protein (p.Arg283Gly). This variant is not present in population databases (gnomAD no frequency).